The following is an entry in ClinVar:

ClinVar aggregate classification (germline): Uncertain significance (1 of 4 stars; one submission).

Conditions:
Familial sleep-related hypermotor epilepsy. Also called: Autosomal Dominant Sleep-Related Hypermotor (Hyperkinetic) Epilepsy. Identifiers: Orphanet 98784, MedGen C3696898, MONDO:0000030.

Allele frequency attached by ClinVar (database versions not stated): gnomAD exomes 0.00001 and 0.00004; gnomAD 0.00002; ExAC 0.00003; TOPMed 0.00004.

Submission:

Labcorp Genetics (formerly Invitae), Labcorp
Classification: Uncertain significance for Familial sleep-related hypermotor epilepsy. Last evaluated: 2022-10-13. Review status: criteria provided, single submitter. Criteria: Invitae Variant Classification Sherloc (09022015). Collection method: clinical testing. Allele origin: germline.
Comment: This sequence change replaces alanine, which is neutral and non-polar, with threonine, which is neutral and polar, at codon 98 of the PRIMA1 protein (p.Ala98Thr). This variant is present in population databases (rs753046704, gnomAD 0.03%). This variant has not been reported in the literature in individuals affected with PRIMA1-related conditions. ClinVar contains an entry for this variant (Variation ID: 654832). Algorithms developed to predict the effect of missense changes on protein structure and function are either unavailable or do not agree on the potential impact of this missense change (SIFT: "Deleterious"; PolyPhen-2: "Probably Damaging"; Align-GVGD: "Class C0"). In summary, the available evidence is currently insufficient to determine the role of this variant in disease. Therefore, it has been classified as a Variant of Uncertain Significance.

NM_178013.4(PRIMA1):c.292G>A (p.Ala98Thr)

Gene: PRIMA1 (proline rich membrane anchor 1; minus strand). Cytogenetic location: 14q32.12.
Variant type: single nucleotide variant.
Coding change: c.292G>A on transcript NM_178013.4 (MANE Select); coding-DNA position 292, G replaced by A.
Protein change: p.Ala98Thr; replaces alanine 98 with threonine.
Molecular consequence: missense variant.
Genome position (GRCh38, 1-based): chr14:93,737,308, C>T on the plus strand (G>A on the coding strand, the complement: PRIMA1 is on the minus strand). VCF-style: chr14-93737308-C-T. GRCh37 (hg19) VCF-style: chr14-94203654-C-T.
Other names: short protein forms A98T.
Identifiers: ClinVar variation 654832 (VCV000654832.4), dbSNP rs753046704, ClinGen allele CA7323048.